The following is an entry in ClinVar:

ClinVar aggregate classification (germline): Pathogenic (1 of 4 stars; one submission).

Conditions:
Lethal multiple pterygium syndrome (LMPS). Identifiers: Orphanet 33108, MedGen C1854678, MONDO:0009668, OMIM 253290.

gnomAD v4.1: 1 of 1,613,994 alleles (0.000062%); highest among the groups gnomAD compares: Non-Finnish European, 0.000085%; no homozygotes.

Submission:

Labcorp Genetics (formerly Invitae), Labcorp
Classification: Pathogenic for Lethal multiple pterygium syndrome. Last evaluated: 2025-06-02. Review status: criteria provided, single submitter. Criteria: Invitae Variant Classification Sherloc (09022015). Collection method: clinical testing. Allele origin: germline.
Comment: This sequence change creates a premature translational stop signal (p.Lys205*) in the CHRNA1 gene. It is expected to result in an absent or disrupted protein product. Loss-of-function variants in CHRNA1 are known to be pathogenic (PMID: 14719537, 15907919, 18252226). This variant is not present in population databases (gnomAD no frequency). This variant has not been reported in the literature in individuals affected with CHRNA1-related conditions. For these reasons, this variant has been classified as Pathogenic.

Literature cited by the submitters: PubMed 14719537; PubMed 15907919; PubMed 18252226.

NM_000079.4(CHRNA1):c.613A>T (p.Lys205Ter)

Gene: CHRNA1 (cholinergic receptor nicotinic alpha 1 subunit; minus strand). Cytogenetic location: 2q31.1.
Variant type: single nucleotide variant.
Coding change: c.613A>T on transcript NM_000079.4 (MANE Select); coding-DNA position 613, A replaced by T.
Protein change: p.Lys205Ter; replaces lysine 205 with a stop codon.
Molecular consequence: nonsense.
Genome position (GRCh38, 1-based): chr2:174,753,668, T>A on the plus strand (A>T on the coding strand, the complement: CHRNA1 is on the minus strand). VCF-style: chr2-174753668-T-A. GRCh37 (hg19) VCF-style: chr2-175618396-T-A.
Other names: c.688A>T, p.Lys230Ter (NM_001039523.3); short protein forms K205*, K230*.
Identifiers: ClinVar variation 4696884 (VCV004696884.1).